The following is an entry in ClinVar:

ClinVar aggregate classification (germline): Uncertain significance (1 of 4 stars; one submission).

gnomAD v4.1: 10 of 1,613,996 alleles (0.00062%); highest among the groups gnomAD compares: Non-Finnish European, 0.00085%; no homozygotes.

Submission:

Labcorp Genetics (formerly Invitae), Labcorp
Classification: Uncertain significance. Last evaluated: 2024-09-30. Review status: criteria provided, single submitter. Criteria: Invitae Variant Classification Sherloc (09022015). Collection method: clinical testing. Allele origin: germline.
Comment: This sequence change replaces proline, which is neutral and non-polar, with leucine, which is neutral and non-polar, at codon 958 of the COL17A1 protein (p.Pro958Leu). This variant is present in population databases (no rsID available, gnomAD 0.002%). This variant has not been reported in the literature in individuals affected with COL17A1-related conditions. Invitae Evidence Modeling of protein sequence and biophysical properties (such as structural, functional, and spatial information, amino acid conservation, physicochemical variation, residue mobility, and thermodynamic stability) indicates that this missense variant is not expected to disrupt COL17A1 protein function with a negative predictive value of 80%. In summary, the available evidence is currently insufficient to determine the role of this variant in disease. Therefore, it has been classified as a Variant of Uncertain Significance.

NM_000494.4(COL17A1):c.2873C>T (p.Pro958Leu)

Gene: COL17A1 (collagen type XVII alpha 1 chain; minus strand). Cytogenetic location: 10q25.1.
Variant type: single nucleotide variant.
Coding change: c.2873C>T on transcript NM_000494.4 (MANE Select); coding-DNA position 2873, C replaced by T.
Protein change: p.Pro958Leu; replaces proline 958 with leucine.
Molecular consequence: missense variant.
Genome position (GRCh38, 1-based): chr10:104,039,468, G>A on the plus strand (C>T on the coding strand, the complement: COL17A1 is on the minus strand). VCF-style: chr10-104039468-G-A. GRCh37 (hg19) VCF-style: chr10-105799226-G-A.
Other names: short protein forms P958L.
Identifiers: ClinVar variation 3616402 (VCV003616402.2).
Genomic context (GRCh38, chr10:104,039,468, plus strand): 5'-CTACTCCTCACCACCTTCTCACTGCTCCCTCACTGACCTTTGTCACCTTTGGGTCCCTGG[G>A]GGCCAGGTGGGCCTGGTGGTCCCTGAAGGTTGAGTCCGAAAGAACTGGACCCTGGAAGCC-3'
Protein context (NP_000485.3, residues 948-968): NLQGPPGPPG[Pro958Leu]QGPKGDKGDP